The following is an entry in ClinVar:

ClinVar aggregate classification (germline): Uncertain significance. Review status: criteria provided, multiple submitters, no conflicts (2 of 4 stars). 2 submissions from 2 submitters: Uncertain significance (2). Last evaluated 2024-05-13.

Conditions:
Hereditary cancer-predisposing syndrome. Also called: Hereditary neoplastic syndrome; Tumor predisposition; Neoplastic Syndromes, Hereditary; Hereditary Cancer Syndrome. Identifiers: Orphanet 140162, MedGen C0027672, MeSH D009386, MONDO:0015356.
Familial cancer of breast. Also called: Hereditary breast cancer; BREAST CANCER, FAMILIAL; hereditary breast carcinoma. Identifiers: Orphanet 227535, MedGen C0346153, MONDO:0016419, OMIM 114480. Disease mechanism: loss of function.
Fanconi anemia complementation group J. Also called: BRIP1-Related Fanconi Anemia. Identifiers: Orphanet 84, MedGen C1836860, MONDO:0012187, OMIM 609054.

Submissions (2):

Ambry Genetics
Classification: Uncertain significance for Hereditary cancer-predisposing syndrome. Last evaluated: 2024-05-13. Review status: criteria provided, single submitter. Criteria: Ambry Variant Classification Scheme 2023. Collection method: clinical testing. Allele origin: germline.
Comment: The p.T584N variant (also known as c.1751C>A), located in coding exon 11 of the BRIP1 gene, results from a C to A substitution at nucleotide position 1751. The threonine at codon 584 is replaced by asparagine, an amino acid with similar properties. This amino acid position is conserved. In addition, this alteration is predicted to be tolerated by in silico analysis. Based on the available evidence, the clinical significance of this variant remains unclear.

Labcorp Genetics (formerly Invitae), Labcorp
Classification: Uncertain significance for Familial cancer of breast; Fanconi anemia complementation group J. Last evaluated: 2022-08-16. Review status: criteria provided, single submitter. Criteria: Invitae Variant Classification Sherloc (09022015). Collection method: clinical testing. Allele origin: germline.
Comment: In summary, the available evidence is currently insufficient to determine the role of this variant in disease. Therefore, it has been classified as a Variant of Uncertain Significance. Algorithms developed to predict the effect of missense changes on protein structure and function (SIFT, PolyPhen-2, Align-GVGD) all suggest that this variant is likely to be tolerated. ClinVar contains an entry for this variant (Variation ID: 1482207). This variant has not been reported in the literature in individuals affected with BRIP1-related conditions. This variant is not present in population databases (gnomAD no frequency). This sequence change replaces threonine, which is neutral and polar, with asparagine, which is neutral and polar, at codon 584 of the BRIP1 protein (p.Thr584Asn).

NM_032043.3(BRIP1):c.1751C>A (p.Thr584Asn)

Gene: BRIP1 (BRCA1 interacting DNA helicase 1; minus strand). Cytogenetic location: 17q23.2.
Variant type: single nucleotide variant.
Coding change: c.1751C>A on transcript NM_032043.3 (MANE Select); coding-DNA position 1751, C replaced by A.
Protein change: p.Thr584Asn; replaces threonine 584 with asparagine.
Molecular consequence: missense variant.
Genome position (GRCh38, 1-based): chr17:61,780,883, G>T on the plus strand (C>A on the coding strand, the complement: BRIP1 is on the minus strand). VCF-style: chr17-61780883-G-T. GRCh37 (hg19) VCF-style: chr17-59858244-G-T.
Other names: c.1751C>A (NM_032043.2); short protein forms T584N.
Identifiers: ClinVar variation 1482207 (VCV001482207.8), dbSNP rs2145092153, ClinGen allele CA400480330.
Genomic context (GRCh38, chr17:61,780,883, plus strand): 5'-TTACATGATGAGCTTACCACAGCTGGATTTAAGCACCAAAAGTTTAGCACATGAACTGCA[G>T]TTTTCTGTCGTGAACGTTTCTTATTTTTTGGTAGAACCAACAACCCATTTTTGTCTGAAA-3'
Protein context (NP_114432.2, residues 574-594): PKNKKRSRQK[Thr584Asn]AVHVLNFWCL